The following is an entry in ClinVar:

ClinVar aggregate classification (germline): Uncertain significance (1 of 4 stars; one submission).

Conditions:
Limb-girdle muscular dystrophy due to POMK deficiency. Also called: Muscular dystrophy-dystroglycanopathy (limb-girdle), type c, 12; MUSCULAR DYSTROPHY-DYSTROGLYCANOPATHY, LIMB-GIRDLE, POMK-RELATED. Identifiers: Orphanet 445110, MedGen C4015184, MONDO:0014489, OMIM 616094.
Muscular dystrophy-dystroglycanopathy (congenital with brain and eye anomalies), type a, 12 (MDDGA12). Also called: WALKER-WARBURG SYNDROME OR MUSCLE-EYE-BRAIN DISEASE, POMK-RELATED. Identifiers: Orphanet 899, MedGen C3808964, MONDO:0014101, OMIM 615249.

Submission:

Labcorp Genetics (formerly Invitae), Labcorp
Classification: Uncertain significance for Muscular dystrophy-dystroglycanopathy (congenital with brain and eye anomalies), type a, 12; Limb-girdle muscular dystrophy due to POMK deficiency. Last evaluated: 2022-02-04. Review status: criteria provided, single submitter. Criteria: Invitae Variant Classification Sherloc (09022015). Collection method: clinical testing. Allele origin: germline.
Comment: This sequence change replaces phenylalanine, which is neutral and non-polar, with valine, which is neutral and non-polar, at codon 41 of the POMK protein (p.Phe41Val). This variant is not present in population databases (gnomAD no frequency). This variant has not been reported in the literature in individuals affected with POMK-related conditions. ClinVar contains an entry for this variant (Variation ID: 1006660). Algorithms developed to predict the effect of missense changes on protein structure and function output the following: SIFT: "Tolerated"; PolyPhen-2: "Benign"; Align-GVGD: "Class C0". The valine amino acid residue is found in multiple mammalian species, which suggests that this missense change does not adversely affect protein function. In summary, the available evidence is currently insufficient to determine the role of this variant in disease. Therefore, it has been classified as a Variant of Uncertain Significance.

NM_032237.5(POMK):c.121T>G (p.Phe41Val)

Gene: POMK (protein O-mannose kinase; plus strand). Cytogenetic location: 8p11.21.
Variant type: single nucleotide variant.
Coding change: c.121T>G on transcript NM_032237.5 (MANE Select); coding-DNA position 121, T replaced by G.
Protein change: p.Phe41Val; replaces phenylalanine 41 with valine.
Molecular consequence: missense variant.
Genome position (GRCh38, 1-based): chr8:43,103,669, T>G. VCF-style: chr8-43103669-T-G. GRCh37 (hg19) VCF-style: chr8-42958812-T-G.
Other names: c.121T>G, p.Phe41Val (NM_001277971.2); short protein forms F41V.
Identifiers: ClinVar variation 1006660 (VCV001006660.5), dbSNP rs1811490118, ClinGen allele CA371116795.